The following is an entry in ClinVar:

ClinVar aggregate classification (germline): Uncertain significance. Review status: criteria provided, multiple submitters, no conflicts (2 of 4 stars). 2 submissions from 2 submitters: Uncertain significance (2). Last evaluated 2021-09-02.

Conditions:
LAMA2-related muscular dystrophy (LAMA2-RD). Also called: Laminin alpha 2-related dystrophy. Identifiers: MedGen C5679788, MONDO:0100228.

Allele frequency attached by ClinVar (database versions not stated): gnomAD exomes below 0.00001; gnomAD 0.00001; TOPMed 0.00001.
gnomAD v4.1: 3 of 1,613,798 alleles (0.00019%); highest among the groups gnomAD compares: Non-Finnish European, 0.00025%; no homozygotes.

Submissions (2):

Labcorp Genetics (formerly Invitae), Labcorp
Classification: Uncertain significance for LAMA2-related muscular dystrophy. Last evaluated: 2021-09-02. Review status: criteria provided, single submitter. Criteria: Invitae Variant Classification Sherloc (09022015). Collection method: clinical testing. Allele origin: germline.
Comment: This sequence change replaces leucine with phenylalanine at codon 1598 of the LAMA2 protein (p.Leu1598Phe). The leucine residue is moderately conserved and there is a small physicochemical difference between leucine and phenylalanine. This variant is not present in population databases (ExAC no frequency). This variant has not been reported in the literature in individuals affected with LAMA2-related conditions. Advanced modeling of protein sequence and biophysical properties (such as structural, functional, and spatial information, amino acid conservation, physicochemical variation, residue mobility, and thermodynamic stability) performed at Invitae indicates that this missense variant is not expected to disrupt LAMA2 protein function. In summary, the available evidence is currently insufficient to determine the role of this variant in disease. Therefore, it has been classified as a Variant of Uncertain Significance.

Breakthrough Genomics
Classification: Uncertain significance. Review status: criteria provided, single submitter. Criteria: ACMG Guidelines, 2015. Collection method: not provided. Allele origin: germline. Inheritance: Autosomal recessive inheritance. Affected: yes.

NM_000426.4(LAMA2):c.4792C>T (p.Leu1598Phe)

Gene: LAMA2 (laminin subunit alpha 2; plus strand). Cytogenetic location: 6q22.33.
Variant type: single nucleotide variant.
Coding change: c.4792C>T on transcript NM_000426.4 (MANE Select); coding-DNA position 4792, C replaced by T.
Protein change: p.Leu1598Phe; replaces leucine 1598 with phenylalanine.
Molecular consequence: missense variant.
Genome position (GRCh38, 1-based): chr6:129,366,293, C>T. VCF-style: chr6-129366293-C-T. GRCh37 (hg19) VCF-style: chr6-129687438-C-T.
Other names: c.4792C>T, p.Leu1598Phe (NM_001079823.2); short protein forms L1598F.
Identifiers: ClinVar variation 1365386 (VCV001365386.6), dbSNP rs1181219589, ClinGen allele CA365622798.